The following is an entry in ClinVar:

ClinVar aggregate classification (germline): Uncertain significance (1 of 4 stars; one submission).

Submission:

Dasa
Classification: Uncertain significance. Last evaluated: 2025-02-07. Review status: criteria provided, single submitter. Criteria: DASA Assertion Criteria. Collection method: clinical testing. Allele origin: germline.
Comment: NM_015122.3(FCHO1):c.1712G>A (p.Cys571Tyr) is a missense variant that results in the substitution of cysteine with tyrosine. This variant is absent from population databases. Computational prediction algorithms are consistent with a benign effect. The currently available literature and clinical evidence are not sufficient to establish a definitive association between this variant and the reported condition. Therefore, this variant is classified as a variant of uncertain significance.

NM_015122.3(FCHO1):c.1712G>A (p.Cys571Tyr)

Gene: FCHO1 (FCH and mu domain containing endocytic adaptor 1; plus strand). Cytogenetic location: 19p13.11.
Variant type: single nucleotide variant.
Coding change: c.1712G>A on transcript NM_015122.3 (MANE Select); coding-DNA position 1712, G replaced by A.
Protein change: p.Cys571Tyr; replaces cysteine 571 with tyrosine.
Molecular consequence: missense variant. On other transcripts: non-coding transcript variant (36).
Genome position (GRCh38, 1-based): chr19:17,781,315, G>A. VCF-style: chr19-17781315-G-A. GRCh37 (hg19) VCF-style: chr19-17892124-G-A.
Other names: c.1595G>A, p.Cys532Tyr (NM_001384395.1, NM_001384392.1, NM_001384393.1 and 1 more transcripts); c.1436G>A, p.Cys479Tyr (NM_001384396.1, NM_001384397.1, NM_001384398.1 and 5 more transcripts); c.1391G>A, p.Cys464Tyr (NM_001384403.1); c.1712G>A, p.Cys571Tyr (NM_001161357.2, NM_001161358.2, NM_001384370.1 and 13 more transcripts); c.1562G>A, p.Cys521Tyr (NM_001161359.2, NM_001384384.1, NM_001384385.1 and 1 more transcripts); c.1673G>A, p.Cys558Tyr (NM_001384388.1, NM_001384389.1, NM_001384405.1); c.1637G>A, p.Cys546Tyr (NM_001384390.1); c.1286G>A, p.Cys429Tyr (NM_001384406.1); and 1 more; short protein forms C381Y, C429Y, C464Y, C479Y, C521Y, C532Y, C546Y, C558Y.
Identifiers: ClinVar variation 4883625 (VCV004883625.2).